The following is an entry in ClinVar:

NM_016219.5(MAN1B1):c.757G>A (p.Val253Met)

Gene: MAN1B1 (mannosidase alpha class 1B member 1; plus strand). Cytogenetic location: 9q34.3.
Variant type: single nucleotide variant.
Coding change: c.757G>A on transcript NM_016219.5 (MANE Select); coding-DNA position 757, G replaced by A.
Protein change: p.Val253Met; replaces valine 253 with methionine.
Molecular consequence: missense variant. On other transcripts: non-coding transcript variant (2).
Genome position (GRCh38, 1-based): chr9:137,099,722, G>A. VCF-style: chr9-137099722-G-A. GRCh37 (hg19) VCF-style: chr9-139994174-G-A.
Other names: c.649G>A, p.Val217Met (NM_007230.1); short protein forms V253M, V217M.
Identifiers: ClinVar variation 1939354 (VCV001939354.4), dbSNP rs758142671, ClinGen allele CA5358781.

ClinVar aggregate classification (germline): Uncertain significance (1 of 4 stars; one submission).

Conditions:
Rafiq syndrome (RAFQS). Identifiers: Orphanet 88616, MedGen C3280127, MONDO:0013624, OMIM 614202.

Allele frequency attached by ClinVar (database versions not stated): TOPMed below 0.00001; ExAC 0.00001.
gnomAD v4.1: 7 of 1,614,222 alleles (0.00043%); highest among the groups gnomAD compares: East Asian, 0.0045%; no homozygotes.

Submission:

Labcorp Genetics (formerly Invitae), Labcorp
Classification: Uncertain significance for Rafiq syndrome. Last evaluated: 2024-10-24. Review status: criteria provided, single submitter. Criteria: Invitae Variant Classification Sherloc (09022015). Collection method: clinical testing. Allele origin: germline.
Comment: This sequence change replaces valine, which is neutral and non-polar, with methionine, which is neutral and non-polar, at codon 253 of the MAN1B1 protein (p.Val253Met). This variant is present in population databases (rs758142671, gnomAD 0.003%). This variant has not been reported in the literature in individuals affected with MAN1B1-related conditions. ClinVar contains an entry for this variant (Variation ID: 1939354). An algorithm developed to predict the effect of missense changes on protein structure and function (PolyPhen-2) suggests that this variant is likely to be disruptive. In summary, the available evidence is currently insufficient to determine the role of this variant in disease. Therefore, it has been classified as a Variant of Uncertain Significance.